The following is an entry in ClinVar:

NM_207346.3(TSEN54):c.984_988del (p.Arg330fs)

Gene: TSEN54 (tRNA splicing endonuclease subunit 54; plus strand). Cytogenetic location: 17q25.1.
Variant type: Deletion.
Coding change: c.984_988del on transcript NM_207346.3 (MANE Select); coding-DNA positions 984 to 988, 5 bases deleted (TGGGC; older notation c.984_988delTGGGC).
Protein change: p.Arg330fs; shifts the reading frame from arginine 330.
Molecular consequence: frameshift variant.
Genome position (GRCh38, 1-based): chr17:75,522,065-75,522,069, TGGGC deleted; deleting any 5 consecutive bases within chr17:75,522,062-75,522,069 gives the same sequence; the c. name uses the placement nearest the transcript's 3' end. VCF-style (leftmost placement, unchanged base first): chr17-75522061-TGGCTG-T. GRCh37 (hg19) VCF-style: chr17-73518142-TGGCTG-T.
Other names: short protein forms R330fs.
Identifiers: ClinVar variation 2980078 (VCV002980078.3), dbSNP rs1206249850, ClinGen allele CA627594382.
Genomic context (GRCh38, chr17:75,522,061, plus strand): 5'-CTTCAGACAGCCGCCACACCCTTCTGCGCGCCCCAGCCCCAGAGCTGCTCCCGGCCAACG[TGGCTG>T]GGCGGGAGACAGACGCTGAGTCCTGGTGCCAGAAGCTGAACCAGCGCAAGGAGAAGCTCT-3'

ClinVar aggregate classification (germline): Pathogenic (1 of 4 stars; one submission).

Submission:

Labcorp Genetics (formerly Invitae), Labcorp
Classification: Pathogenic. Last evaluated: 2024-01-18. Review status: criteria provided, single submitter. Criteria: Invitae Variant Classification Sherloc (09022015). Collection method: clinical testing. Allele origin: germline.
Comment: This sequence change creates a premature translational stop signal (p.Arg330Aspfs*4) in the TSEN54 gene. It is expected to result in an absent or disrupted protein product. Loss-of-function variants in TSEN54 are known to be pathogenic (PMID: 18711368, 20952379). This variant is present in population databases (no rsID available, gnomAD 0.001%). This variant has not been reported in the literature in individuals affected with TSEN54-related conditions. For these reasons, this variant has been classified as Pathogenic.

Literature cited by the submitters: PubMed 18711368; PubMed 20952379.